The following is an entry in ClinVar:

NM_005267.5(GJA8):c.530T>A (p.Ile177Asn)

Gene: GJA8 (gap junction protein alpha 8; plus strand). Cytogenetic location: 1q21.2.
Variant type: single nucleotide variant.
Coding change: c.530T>A on transcript NM_005267.5 (MANE Select); coding-DNA position 530, T replaced by A.
Protein change: p.Ile177Asn; replaces isoleucine 177 with asparagine.
Molecular consequence: missense variant.
Genome position (GRCh38, 1-based): chr1:147,908,485, T>A. VCF-style: chr1-147908485-T-A. GRCh37 (hg19) VCF-style: chr1-147380612-T-A.
Other names: short protein forms I177N.
Identifiers: ClinVar variation 1050785 (VCV001050785.1), dbSNP rs2149015874, ClinGen allele CA342224803.

ClinVar aggregate classification (germline): Uncertain significance (0 of 4 stars; one submission).

Submission:

Department of Pathology and Laboratory Medicine, Sinai Health System
Classification: Uncertain significance. Review status: no assertion criteria provided. Collection method: clinical testing. Allele origin: unknown. Affected: yes. Study: The Canadian Open Genetics Repository (COGR).
Comment: The GJA8 p.Ile177Asn variant was not identified in the literature nor was it identified in the dbSNP, ClinVar, Cosmic, MutDB or LOVD 3.0 databases. The variant was not identified in the following control databases: the 1000 Genomes Project, the NHLBI GO Exome Sequencing Project, the Exome Aggregation Consortium (August 8th 2016), or the Genome Aggregation Database (Feb 27, 2017). The p.Ile177 residue is conserved across mammals and other organisms, and computational analyses (PolyPhen-2, SIFT, AlignGVGD, BLOSUM, and MutationTaster) suggest that the variant may impact the protein; however, this information is not predictive enough to assume pathogenicity. In summary, based on the above information the clinical significance of this variant cannot be determined with certainty at this time. This variant is classified as a variant of uncertain significance.